The following is an entry in ClinVar:

NM_032634.4(PIGO):c.3233C>T (p.Ser1078Phe)

Gene: PIGO (phosphatidylinositol glycan anchor biosynthesis class O; minus strand). Cytogenetic location: 9p13.3.
Variant type: single nucleotide variant.
Coding change: c.3233C>T on transcript NM_032634.4 (MANE Select); coding-DNA position 3233, C replaced by T.
Protein change: p.Ser1078Phe; replaces serine 1078 with phenylalanine.
Molecular consequence: missense variant.
Genome position (GRCh38, 1-based): chr9:35,089,129, G>A on the plus strand (C>T on the coding strand, the complement: PIGO is on the minus strand). VCF-style: chr9-35089129-G-A. GRCh37 (hg19) VCF-style: chr9-35089126-G-A.
Other names: c.1982C>T, p.Ser661Phe (NM_001201484.2, NM_152850.4); short protein forms S661F, S1078F.
Identifiers: ClinVar variation 1032978 (VCV001032978.1), dbSNP rs1179043464, ClinGen allele CA373316882.

ClinVar aggregate classification (germline): Uncertain significance (1 of 4 stars; one submission).

Conditions:
Hyperphosphatasia with impaired intellectual development syndrome 2. Also called: Hyperphosphatasia with intellectual disability syndrome 2; GLYCOSYLPHOSPHATIDYLINOSITOL BIOSYNTHESIS DEFECT 6. Identifiers: Orphanet 247262, MedGen C3553637, MONDO:0013882, OMIM 614749.

Allele frequency attached by ClinVar (database versions not stated): TOPMed below 0.00001.
gnomAD v4.1: 1 of 1,614,116 alleles (0.000062%); no homozygotes.

Submission:

Baylor Genetics
Classification: Uncertain significance for Hyperphosphatasia with impaired intellectual development syndrome 2. Last evaluated: 2018-06-28. Review status: criteria provided, single submitter. Criteria: ACMG Guidelines, 2015. Collection method: clinical testing. Allele origin: maternal. Affected: yes.
Comment: This variant was determined to be of uncertain significance according to ACMG Guidelines, 2015 [PMID:25741868].